The following is an entry in ClinVar:

ClinVar aggregate classification (germline): Pathogenic (1 of 4 stars; one submission).

Conditions:
Glycogen storage disease, type II (IOPD). Also called: Pompe Disease; CARDIOMEGALIA GLYCOGENICA DIFFUSA; GLYCOGENOSIS, GENERALIZED, CARDIAC FORM; GSD II; POMPE DISEASE, INFANTILE-ONSET; GLYCOGEN STORAGE DISEASE II, INFANTILE-ONSET. Identifiers: Orphanet 365, MedGen C0017921, MONDO:0009290, OMIM 232300.

Submission:

Genomenon, Inc
Classification: Pathogenic for Glycogen storage disease, type II. Last evaluated: 2026-07-01. Review status: criteria provided, single submitter. Criteria: Genomenon Sequence Variant Interpretation Standards - Updated. Collection method: curation. Allele origin: germline. Affected: yes.
Comment: GAA c.692+2_692+3del is a deletion that affects the donor splice site of intron 3. It is predicted to affect mRNA splicing, leading to a deleterious effect on the GAA protein. This variant has been observed in at least one proband with a GAA-related disorder (PMID:22081099). It is absent or not present at a significant frequency in gnomAD. In conclusion, we classify GAA c.692+2_692+3del as a pathogenic variant.

Literature cited by the submitters: PubMed 22081099.

NM_000152.5(GAA):c.692+2_692+3del

Gene: GAA (alpha glucosidase; plus strand). Cytogenetic location: 17q25.3.
Variant type: Microsatellite.
Coding change: c.692+2_692+3del on transcript NM_000152.5 (MANE Select); the canonical splice donor site of the intron after coding-DNA position 692 through 3 bases into the intron after coding-DNA position 692, 2 bases deleted (TG; older notation c.692+2_692+3delTG).
Molecular consequence: splice donor variant.
Genome position (GRCh38, 1-based): chr17:80,105,896-80,105,897, TG deleted; deleting any 2 consecutive bases within chr17:80,105,894-80,105,897 gives the same sequence; the c. name uses the placement nearest the transcript's 3' end. VCF-style (leftmost placement, unchanged base first): chr17-80105893-CTG-C. GRCh37 (hg19) VCF-style: chr17-78079692-CTG-C.
Other names: c.692+2_692+3del (NM_001406741.1, NM_001406742.1, NM_001079803.3 and 1 more transcripts).
Identifiers: ClinVar variation 4876407 (VCV004876407.1).
Genomic context (GRCh38, chr17:80,105,893, plus strand): 5'-GTGGAGTTCTCCGAGGAGCCCTTCGGGGTGATCGTGCGCCGGCAGCTGGACGGCCGCGTG[CTG>C]TGAGTTCTGGGCTCTGTGCCAGCATGATGGGGAGGGCGACGCGCATTTCTCACACGGCAG-3'